The following is an entry in ClinVar:

ClinVar aggregate classification (germline): Pathogenic (1 of 4 stars; one submission).

Submission:

Labcorp Genetics (formerly Invitae), Labcorp
Classification: Pathogenic. Last evaluated: 2022-10-11. Review status: criteria provided, single submitter. Criteria: Invitae Variant Classification Sherloc (09022015). Collection method: clinical testing. Allele origin: germline.
Comment: This sequence change creates a premature translational stop signal (p.Cys2677*) in the EYS gene. It is expected to result in an absent or disrupted protein product. Loss-of-function variants in EYS are known to be pathogenic (PMID: 18836446, 20333770). For these reasons, this variant has been classified as Pathogenic. This variant has not been reported in the literature in individuals affected with EYS-related conditions. This variant is not present in population databases (gnomAD no frequency).

Literature cited by the submitters: PubMed 18836446; PubMed 20333770.

NM_001142800.2(EYS):c.8031T>A (p.Cys2677Ter)

Gene: EYS (EGF-like photoreceptor maintenance factor; minus strand). Cytogenetic location: 6q12.
Variant type: single nucleotide variant.
Coding change: c.8031T>A on transcript NM_001142800.2 (MANE Select); coding-DNA position 8031, T replaced by A.
Protein change: p.Cys2677Ter; replaces cysteine 2677 with a stop codon.
Molecular consequence: nonsense.
Genome position (GRCh38, 1-based): chr6:63,762,501, A>T on the plus strand (T>A on the coding strand, the complement: EYS is on the minus strand). VCF-style: chr6-63762501-A-T. GRCh37 (hg19) VCF-style: chr6-64472394-A-T.
Other names: c.8031T>A, p.Cys2677Ter (NM_001292009.2); short protein forms C2677*.
Identifiers: ClinVar variation 2035137 (VCV002035137.4), dbSNP rs1306499925, ClinGen allele CA364390082.